The following is an entry in ClinVar:

NM_182914.3(SYNE2):c.16849A>G (p.Lys5617Glu)

Gene: SYNE2 (spectrin repeat containing nuclear envelope protein 2; plus strand). Cytogenetic location: 14q23.2.
Variant type: single nucleotide variant.
Coding change: c.16849A>G on transcript NM_182914.3 (MANE Select); coding-DNA position 16849, A replaced by G.
Protein change: p.Lys5617Glu; replaces lysine 5617 with glutamic acid.
Molecular consequence: missense variant.
Genome position (GRCh38, 1-based): chr14:64,167,583, A>G. VCF-style: chr14-64167583-A-G. GRCh37 (hg19) VCF-style: chr14-64634301-A-G.
Other names: c.16849A>G, p.Lys5617Glu (NM_015180.6); short protein forms K5617E.
Identifiers: ClinVar variation 4805587 (VCV004805587.1).
Genomic context (GRCh38, chr14:64,167,583, plus strand): 5'-AAGTTTCTTTATTGCTGTGAAAAGTGGATCCAACTTTTGGAGAAGATAGAAGAAGCACTC[A>G]AAGTGGATGTGGCTAACAGCCTTCCTGAGCTCCTGGAGCAGCAGAAAACCTATAAGGTAA-3'
Protein context (NP_878918.2, residues 5607-5627): QLLEKIEEAL[Lys5617Glu]VDVANSLPEL

ClinVar aggregate classification (germline): Uncertain significance (1 of 4 stars; one submission).

Conditions:
Emery-Dreifuss muscular dystrophy 5, autosomal dominant (EDMD5). Also called: EMERY-DREIFUSS MUSCULAR DYSTROPHY 5. Identifiers: Orphanet 261, MedGen C2751805, MONDO:0013072, OMIM 612999.

gnomAD v4.1: 4 of 1,614,232 alleles (0.00025%); highest among the groups gnomAD compares: Non-Finnish European, 0.00025%; no homozygotes.

Submission:

Labcorp Genetics (formerly Invitae), Labcorp
Classification: Uncertain significance for Emery-Dreifuss muscular dystrophy 5, autosomal dominant. Last evaluated: 2026-01-12. Review status: criteria provided, single submitter. Criteria: Invitae Variant Classification Sherloc (09022015). Collection method: clinical testing. Allele origin: germline.
Comment: This sequence change replaces lysine, which is basic and polar, with glutamic acid, which is acidic and polar, at codon 5617 of the SYNE2 protein (p.Lys5617Glu). This variant is present in population databases (rs762498365, gnomAD 0.0009%). This variant has not been reported in the literature in individuals affected with SYNE2-related conditions. An algorithm developed to predict the effect of missense changes on protein structure and function (PolyPhen-2) suggests that this variant is likely to be tolerated. In summary, the available evidence is currently insufficient to determine the role of this variant in disease. Therefore, it has been classified as a Variant of Uncertain Significance.